The following is an entry in ClinVar:

NM_201286.4(USP51):c.1653C>T (p.Asp551=)

Gene: USP51 (ubiquitin specific peptidase 51; minus strand). Cytogenetic location: Xp11.21.
Variant type: single nucleotide variant.
Coding change: c.1653C>T on transcript NM_201286.4 (MANE Select); coding-DNA position 1653, C replaced by T.
Protein change: p.Asp551=; no amino-acid change (aspartic acid 551 retained).
Molecular consequence: synonymous variant.
Genome position (GRCh38, 1-based): chrX:55,487,287, G>A on the plus strand (C>T on the coding strand, the complement: USP51 is on the minus strand). VCF-style: chrX-55487287-G-A. GRCh37 (hg19) VCF-style: chrX-55513720-G-A.
Identifiers: ClinVar variation 2660697 (VCV002660697.24), dbSNP rs145461643, ClinGen allele CA10429233.

ClinVar aggregate classification (germline): Likely benign (1 of 4 stars; one submission).

Allele frequency attached by ClinVar (database versions not stated): gnomAD 0.00022; TOPMed 0.00025; ExAC 0.00029; gnomAD exomes 0.00043; ESP Exome Variant Server 0.00047.
gnomAD v4.1: 512 of 1,209,635 alleles (0.042%); highest among the groups gnomAD compares: Non-Finnish European, 0.053%; no homozygotes.

Submission:

CeGaT Center for Human Genetics Tuebingen
Classification: Likely benign. Last evaluated: 2023-05-01. Review status: criteria provided, single submitter. Criteria: CeGaT Center For Human Genetics Tuebingen Variant Classification Criteria Version 2. Collection method: clinical testing. Allele origin: germline. Affected: yes. Observed: 1 variant allele.
Comment: USP51: BP4, BP7, BS2